The following is an entry in ClinVar:

ClinVar aggregate classification (germline): Likely pathogenic (1 of 4 stars; one submission).

Conditions:
Neurodevelopmental, jaw, eye, and digital syndrome (NEDJED). Identifiers: MedGen C5394477, MONDO:0030057, OMIM 618914.

Submission:

SIB Swiss Institute of Bioinformatics
Classification: Likely pathogenic for Neurodevelopmental, jaw, eye, and digital syndrome. Last evaluated: 2021-04-13. Review status: criteria provided, single submitter. Criteria: ACMG Guidelines, 2015. Collection method: curation. Allele origin: unknown.
Comment: This variant is interpreted as likely pathogenic for Neurodevelopmental, jaw, eye, and digital syndrome, autosomal dominant. The following ACMG Tag(s) were applied: Absent from controls (or at extremely low frequency if recessive) in Exome Sequencing Project, 1000 Genomes Project, or Exome Aggregation Consortium (PM2); Assumed de novo, but no confirmation of paternity and maternity (PM6 downgraded to supporting); Novel missense change at an amino acid residue where a different missense change determined to be pathogenic has been seen before (PM5); Missense variant in a gene that has a low rate of benign missense variation and in which missense variants are a common mechanism of disease (PP2).

Literature cited by the submitters: PubMed 31402090.

NM_001378974.1(FBXW11):c.1403G>T (p.Arg468Leu)

Gene: FBXW11 (F-box and WD repeat domain containing 11; minus strand). Cytogenetic location: 5q35.1.
Variant type: single nucleotide variant.
Coding change: c.1403G>T on transcript NM_001378974.1 (MANE Select); coding-DNA position 1403, G replaced by T.
Protein change: p.Arg468Leu; replaces arginine 468 with leucine.
Molecular consequence: missense variant.
Genome position (GRCh38, 1-based): chr5:171,870,796, C>A on the plus strand (G>T on the coding strand, the complement: FBXW11 is on the minus strand). VCF-style: chr5-171870796-C-A. GRCh37 (hg19) VCF-style: chr5-171297800-C-A.
Other names: c.1334G>T, p.Arg445Leu (NM_001378975.1); c.1307G>T, p.Arg436Leu (NM_001378976.1); c.1244G>T, p.Arg415Leu (NM_001378977.1, NM_001378978.1, NM_001378979.1); c.1238G>T, p.Arg413Leu (NM_001378980.1, NM_033645.3); c.1340G>T, p.Arg447Leu (NM_012300.3); c.1301G>T, p.Arg434Leu (NM_033644.3); short protein forms R413L, R415L, R434L, R436L, R445L, R447L, R468L.
Identifiers: ClinVar variation 1064512 (VCV001064512.1), dbSNP rs1757708758, ClinGen allele CA362212973.
Genomic context (GRCh38, chr5:171,870,796, plus strand): 5'-TGAAAGACATACCCATCATAGGCCCCACTGACAATCCTCTTGTTATCAAACCGGATGCAT[C>A]GGACCAATTCTTCATGTCCCTCTAGGACTCTTAAACAGGCACCACATTCAATATCCCAGA-3'
Protein context (NP_001365903.1, residues 458-478): RVLEGHEELV[Arg468Leu]CIRFDNKRIV